The following is an entry in ClinVar:

NM_005751.5(AKAP9):c.905A>C (p.Gln302Pro)

Gene: AKAP9 (A-kinase anchoring protein 9; plus strand). Cytogenetic location: 7q21.2.
Variant type: single nucleotide variant.
Coding change: c.905A>C on transcript NM_005751.5 (MANE Select); coding-DNA position 905, A replaced by C.
Protein change: p.Gln302Pro; replaces glutamine 302 with proline.
Molecular consequence: missense variant.
Genome position (GRCh38, 1-based): chr7:91,995,775, A>C. VCF-style: chr7-91995775-A-C. GRCh37 (hg19) VCF-style: chr7-91625089-A-C.
Other names: c.905A>C, p.Gln302Pro (NM_147185.3); short protein forms Q302P.
Identifiers: ClinVar variation 2918303 (VCV002918303.3), dbSNP rs1264961491, ClinGen allele CA368120501.

ClinVar aggregate classification (germline): Uncertain significance (1 of 4 stars; one submission).

Conditions:
Long QT syndrome (LQTS). Identifiers: MedGen C0023976, MeSH D008133, MONDO:0002442. Disease mechanism: loss of function. Inheritance: Various modes of inheritance.

Submission:

Labcorp Genetics (formerly Invitae), Labcorp
Classification: Uncertain significance for Long QT syndrome. Last evaluated: 2024-02-25. Review status: criteria provided, single submitter. Criteria: Invitae Variant Classification Sherloc (09022015). Collection method: clinical testing. Allele origin: germline.
Comment: This sequence change replaces glutamine, which is neutral and polar, with proline, which is neutral and non-polar, at codon 302 of the AKAP9 protein (p.Gln302Pro). This variant is not present in population databases (gnomAD no frequency). This variant has not been reported in the literature in individuals affected with AKAP9-related conditions. An algorithm developed to predict the effect of missense changes on protein structure and function (PolyPhen-2) suggests that this variant is likely to be disruptive. In summary, the available evidence is currently insufficient to determine the role of this variant in disease. Therefore, it has been classified as a Variant of Uncertain Significance.